The following is an entry in ClinVar:

NM_004006.3(DMD):c.7310-19A>G

Gene: DMD (dystrophin; minus strand). Cytogenetic location: Xp21.1.
Variant type: single nucleotide variant.
Coding change: c.7310-19A>G on transcript NM_004006.3 (MANE Select); 19 bases into the intron before coding-DNA position 7310, A replaced by G.
Molecular consequence: intron variant.
Genome position (GRCh38, 1-based): chrX:31,774,211, T>C on the plus strand (A>G on the coding strand, the complement: DMD is on the minus strand). VCF-style: chrX-31774211-T-C. GRCh37 (hg19) VCF-style: chrX-31792328-T-C.
Other names: c.7286-19A>G (NM_000109.4); c.3287-19A>G (NM_004011.4); c.3278-19A>G (NM_004012.4); c.-71-19A>G (NM_004023.3, NM_004020.4, NM_004022.3 and 2 more transcripts); c.7298-19A>G (NM_004009.3); c.6941-19A>G (NM_004010.3).
Identifiers: ClinVar variation 2193175 (VCV002193175.5), dbSNP rs2530844412, ClinGen allele CA2579579141.

ClinVar aggregate classification (germline): Conflicting classifications of pathogenicity. Review status: criteria provided, conflicting classifications (1 of 4 stars). 2 submissions from 2 submitters: Likely pathogenic (1); Uncertain significance (1). Last evaluated 2025-03-31.

Conditions:
Duchenne muscular dystrophy (DMD). Also called: MUSCULAR DYSTROPHY, PSEUDOHYPERTROPHIC PROGRESSIVE, DUCHENNE TYPE; Duchenne Muscular Dystrophy (DMD). Identifiers: Orphanet 98896, MedGen C0013264, MONDO:0010679, OMIM 310200.

Submissions (2):

Labcorp Genetics (formerly Invitae), Labcorp
Classification: Likely pathogenic for Duchenne muscular dystrophy. Last evaluated: 2025-03-31. Review status: criteria provided, single submitter. Criteria: Invitae Variant Classification Sherloc (09022015). Collection method: clinical testing. Allele origin: germline.
Comment: This sequence change falls in intron 50 of the DMD gene. It does not directly change the encoded amino acid sequence of the DMD protein. This variant is not present in population databases (gnomAD no frequency). This variant has been observed in individual(s) with Becker muscular dystrophy and/or Duchenne muscular dystrophy (PMID: 36319768; internal data). ClinVar contains an entry for this variant (Variation ID: 2193175). Algorithms developed to predict the effect of sequence changes on RNA splicing suggest that this variant may disrupt the consensus splice site. In summary, the currently available evidence indicates that the variant is pathogenic, but additional data are needed to prove that conclusively. Therefore, this variant has been classified as Likely Pathogenic.

3billion
Classification: Uncertain significance for Duchenne muscular dystrophy. Last evaluated: 2023-02-23. Review status: criteria provided, single submitter. Criteria: ACMG Guidelines, 2015. Collection method: clinical testing. Allele origin: unknown. Affected: yes.
Comment: The variant is not observed in the gnomAD v2.1.1 dataset. In silico tools predict the variant to alter splicing and produce an abnormal transcript (SpliceAI: 1.00). However, the evidence of pathogenicity is insufficient at this time. Therefore, this variant is classified as VUS according to the recommendation of ACMG/AMP guideline.

Literature cited by the submitters: PubMed 36319768 (cited by Labcorp Genetics (formerly Invitae), Labcorp).